The following is an entry in ClinVar:

ClinVar aggregate classification (germline): Uncertain significance (1 of 4 stars; one submission).

Allele frequency attached by ClinVar (database versions not stated): gnomAD exomes 0.00001.
gnomAD v4.1: 7 of 1,564,996 alleles (0.00045%); highest among the groups gnomAD compares: South Asian, 0.0024%; no homozygotes.

Submission:

Labcorp Genetics (formerly Invitae), Labcorp
Classification: Uncertain significance. Last evaluated: 2023-08-04. Review status: criteria provided, single submitter. Criteria: Invitae Variant Classification Sherloc (09022015). Collection method: clinical testing. Allele origin: germline.
Comment: Algorithms developed to predict the effect of sequence changes on RNA splicing suggest that this variant is not likely to affect RNA splicing. This variant has not been reported in the literature in individuals affected with KIF22-related conditions. This variant is present in population databases (no rsID available, gnomAD 0.002%). This sequence change affects codon 427 of the KIF22 mRNA. It is a 'silent' change, meaning that it does not change the encoded amino acid sequence of the KIF22 protein. It affects a nucleotide within the consensus splice site. In summary, the available evidence is currently insufficient to determine the role of this variant in disease. Therefore, it has been classified as a Variant of Uncertain Significance.

NM_007317.3(KIF22):c.1281C>T (p.Ser427=)

Gene: KIF22 (kinesin family member 22; plus strand). Cytogenetic location: 16p11.2.
Variant type: single nucleotide variant.
Coding change: c.1281C>T on transcript NM_007317.3 (MANE Select); coding-DNA position 1281, C replaced by T.
Protein change: p.Ser427=; no amino-acid change (serine 427 retained).
Molecular consequence: synonymous variant.
Genome position (GRCh38, 1-based): chr16:29,802,769, C>T. VCF-style: chr16-29802769-C-T. GRCh37 (hg19) VCF-style: chr16-29814090-C-T.
Other names: c.1077C>T, p.Ser359= (NM_001256269.2, NM_001256270.1).
Identifiers: ClinVar variation 3020478 (VCV003020478.3), dbSNP rs1401847243, ClinGen allele CA494573105.